The following is an entry in ClinVar:

NM_002890.3(RASA1):c.34G>T (p.Gly12Cys)

Gene: RASA1 (RAS p21 protein activator 1; plus strand). Cytogenetic location: 5q14.3.
Variant type: single nucleotide variant.
Coding change: c.34G>T on transcript NM_002890.3 (MANE Select); coding-DNA position 34, G replaced by T.
Protein change: p.Gly12Cys; replaces glycine 12 with cysteine.
Molecular consequence: missense variant.
Genome position (GRCh38, 1-based): chr5:87,268,485, G>T. VCF-style: chr5-87268485-G-T. GRCh37 (hg19) VCF-style: chr5-86564302-G-T.
Other names: short protein forms G12C.
Identifiers: ClinVar variation 1439829 (VCV001439829.6), dbSNP rs1753664187, ClinGen allele CA360416653.

ClinVar aggregate classification (germline): Uncertain significance (1 of 4 stars; one submission).

Conditions:
Capillary malformation-arteriovenous malformation syndrome. Also called: Capillary malformation-arteriovenous malformation. Identifiers: Orphanet 137667, MedGen C1842180, MONDO:0012016.

Allele frequency attached by ClinVar (database versions not stated): TOPMed below 0.00001; gnomAD exomes 0.00002.
gnomAD v4.1: 30 of 1,556,014 alleles (0.0019%); highest among the groups gnomAD compares: Non-Finnish European, 0.0025%; no homozygotes.

Submission:

Labcorp Genetics (formerly Invitae), Labcorp
Classification: Uncertain significance for Capillary malformation-arteriovenous malformation syndrome. Last evaluated: 2025-03-26. Review status: criteria provided, single submitter. Criteria: Invitae Variant Classification Sherloc (09022015). Collection method: clinical testing. Allele origin: germline.
Comment: This sequence change replaces glycine, which is neutral and non-polar, with cysteine, which is neutral and slightly polar, at codon 12 of the RASA1 protein (p.Gly12Cys). This variant is not present in population databases (gnomAD no frequency). This variant has not been reported in the literature in individuals affected with RASA1-related conditions. ClinVar contains an entry for this variant (Variation ID: 1439829). An algorithm developed to predict the effect of missense changes on protein structure and function (PolyPhen-2) suggests that this variant is likely to be disruptive. In summary, the available evidence is currently insufficient to determine the role of this variant in disease. Therefore, it has been classified as a Variant of Uncertain Significance.